The following is an entry in ClinVar:

ClinVar aggregate classification (germline): Uncertain significance (1 of 4 stars; one submission).

Conditions:
Hereditary antithrombin deficiency (AT3D). Also called: Reduced antithrombin III activity; Antithrombin deficiency; Antithrombin III deficiency; Thrombophilia due to antithrombin III deficiency. Identifiers: Orphanet 82, MedGen C0272375, MONDO:0013144, OMIM 613118, HP:0001976.

Submission:

Juno Genomics, Hangzhou Juno Genomics, Inc
Classification: Uncertain significance for Hereditary antithrombin deficiency. Review status: criteria provided, single submitter. Criteria: ACMG Guidelines, 2015. Collection method: clinical testing. Allele origin: germline. Affected: yes.
Comment: Absent from controls (or at extremely low frequency if recessive) in Genome Aggregation Database, Exome Sequencing Project, 1000 Genomes Project, or Exome Aggregation Consortium.;Null variant in a gene where loss of function (LOF) is a known mechanism of disease.

NM_000488.4(SERPINC1):c.1351_1352dup (p.Ile452fs)

Gene: SERPINC1 (serpin family C member 1; minus strand). Cytogenetic location: 1q25.1.
Variant type: Microsatellite.
Coding change: c.1351_1352dup on transcript NM_000488.4 (MANE Select); coding-DNA positions 1351 to 1352, 2 bases duplicated (AC; older notation c.1351_1352dupAC).
Protein change: p.Ile452fs; shifts the reading frame from isoleucine 452.
Molecular consequence: frameshift variant.
Genome position (GRCh38, 1-based): chr1:173,903,932-173,903,933, GT duplicated on the plus strand (AC on the coding strand, the reverse complement: SERPINC1 is on the minus strand); duplicating any 2 consecutive bases within chr1:173,903,932-173,903,935 gives the same sequence; the c. name uses the placement nearest the transcript's 3' end. VCF-style (leftmost placement, unchanged base first): chr1-173903931-A-AGT. GRCh37 (hg19) VCF-style: chr1-173873069-A-AGT.
Other names: c.1207_1208dup, p.Ile404fs (NM_001365052.2); c.1474_1475dup, p.Ile493fs (NM_001386302.1); c.1432_1433dup, p.Ile479fs (NM_001386303.1); c.1330_1331dup, p.Ile445fs (NM_001386304.1); c.1294_1295dup, p.Ile433fs (NM_001386305.1); c.1135_1136dup, p.Ile380fs (NM_001386306.1); short protein forms I380fs, I404fs, I433fs, I445fs, I452fs, I479fs, I493fs.
Identifiers: ClinVar variation 3382279 (VCV003382279.2).